The following is an entry in ClinVar:

ClinVar aggregate classification (germline): Uncertain significance. Review status: criteria provided, multiple submitters, no conflicts (2 of 4 stars). 2 submissions from 2 submitters: Uncertain significance (2). Last evaluated 2024-08-21.

Conditions:
Ataxia-telangiectasia syndrome (AT). Also called: Ataxia telangiectasia (A-T); LOUIS-BAR SYNDROME; Cerebello-oculocutaneous telangiectasia; Immunodeficiency with ataxia telangiectasia; Ataxia-telangiectasia, complementation group D; AT, COMPLEMENTATION GROUP C. Identifiers: Orphanet 100, MedGen C0004135, MONDO:0008840, OMIM 208900.
Hereditary cancer-predisposing syndrome. Also called: Hereditary neoplastic syndrome; Neoplastic Syndromes, Hereditary; Tumor predisposition; Hereditary Cancer Syndrome. Identifiers: Orphanet 140162, MedGen C0027672, MeSH D009386, MONDO:0015356.

Submissions (2):

Labcorp Genetics (formerly Invitae), Labcorp
Classification: Uncertain significance for Ataxia-telangiectasia syndrome. Last evaluated: 2024-08-21. Review status: criteria provided, single submitter. Criteria: Invitae Variant Classification Sherloc (09022015). Collection method: clinical testing. Allele origin: germline.
Comment: This sequence change replaces proline, which is neutral and non-polar, with serine, which is neutral and polar, at codon 2222 of the ATM protein (p.Pro2222Ser). This variant is not present in population databases (gnomAD no frequency). This variant has not been reported in the literature in individuals affected with ATM-related conditions. ClinVar contains an entry for this variant (Variation ID: 1754749). An algorithm developed to predict the effect of missense changes on protein structure and function (PolyPhen-2) suggests that this variant is likely to be disruptive. In summary, the available evidence is currently insufficient to determine the role of this variant in disease. Therefore, it has been classified as a Variant of Uncertain Significance.

Ambry Genetics
Classification: Uncertain significance for Hereditary cancer-predisposing syndrome. Last evaluated: 2022-07-07. Review status: criteria provided, single submitter. Criteria: Ambry Variant Classification Scheme 2023. Collection method: clinical testing. Allele origin: germline.
Comment: The p.P2222S variant (also known as c.6664C>T), located in coding exon 45 of the ATM gene, results from a C to T substitution at nucleotide position 6664. The proline at codon 2222 is replaced by serine, an amino acid with similar properties. This amino acid position is conserved. In addition, the in silico prediction for this alteration is inconclusive. Since supporting evidence is limited at this time, the clinical significance of this alteration remains unclear.

NM_000051.4(ATM):c.6664C>T (p.Pro2222Ser)

Genes: ATM (ATM serine/threonine kinase; plus strand), C11orf65 (chromosome 11 open reading frame 65; minus strand). Cytogenetic location: 11q22.3.
Variant type: single nucleotide variant.
Coding change: c.6664C>T on transcript NM_000051.4 (MANE Select); coding-DNA position 6664, C replaced by T.
Protein change: p.Pro2222Ser; replaces proline 2222 with serine.
Molecular consequence: missense variant. On other transcripts: intron variant (2).
Genome position (GRCh38, 1-based): chr11:108,325,401, C>T. VCF-style: chr11-108325401-C-T. GRCh37 (hg19) VCF-style: chr11-108196128-C-T.
Other names: c.6664C>T, p.Pro2222Ser (NM_001351834.2); c.641-16330G>A (NM_001330368.2); c.*38+9819G>A (NM_001351110.2); short protein forms P2222S.
Identifiers: ClinVar variation 1754749 (VCV001754749.4), dbSNP rs2085561331, ClinGen allele CA382554854.